The following is an entry in ClinVar:

NM_000553.6(WRN):c.2012A>G (p.His671Arg)

Gene: WRN (WRN RecQ like helicase; plus strand). Cytogenetic location: 8p12.
Variant type: single nucleotide variant.
Coding change: c.2012A>G on transcript NM_000553.6 (MANE Select); coding-DNA position 2012, A replaced by G.
Protein change: p.His671Arg; replaces histidine 671 with arginine.
Molecular consequence: missense variant.
Genome position (GRCh38, 1-based): chr8:31,100,879, A>G. VCF-style: chr8-31100879-A-G. GRCh37 (hg19) VCF-style: chr8-30958395-A-G.
Other names: short protein forms H671R.
Identifiers: ClinVar variation 403989 (VCV000403989.3), dbSNP rs1060500060, ClinGen allele CA16612320.

ClinVar aggregate classification (germline): Uncertain significance (1 of 4 stars; one submission).

Conditions:
Werner syndrome (WRN). Identifiers: Orphanet 902, MedGen C0043119, MONDO:0010196, OMIM 277700.

Allele frequency attached by ClinVar (database versions not stated): gnomAD exomes below 0.00001; TOPMed below 0.00001; gnomAD 0.00001.
gnomAD v4.1: 2 of 1,613,822 alleles (0.00012%); highest among the groups gnomAD compares: Non-Finnish European, 0.00017%; no homozygotes.

Submission:

Labcorp Genetics (formerly Invitae), Labcorp
Classification: Uncertain significance for Werner syndrome. Last evaluated: 2016-12-14. Review status: criteria provided, single submitter. Criteria: Invitae Variant Classification Sherloc (09022015). Collection method: clinical testing. Allele origin: germline.
Comment: In summary, this variant is a novel missense change with uncertain impact on protein function. It has been classified as a Variant of Uncertain Significance. Algorithms developed to predict the effect of missense changes on protein structure and function (SIFT, PolyPhen-2, Align-GVGD) all suggest that this variant is likely to be disruptive, but these predictions have not been confirmed by published functional studies. This variant is not present in population databases (ExAC no frequency) and has not been reported in the literature in individuals with a WRN-related disease. This sequence change replaces histidine with arginine at codon 671 of the WRN protein (p.His671Arg). The histidine residue is highly conserved and there is a small physicochemical difference between histidine and arginine.